The following is an entry in ClinVar:

NM_001220.5(CAMK2B):c.863_864del (p.Val288fs)

Gene: CAMK2B (calcium/calmodulin dependent protein kinase II beta; minus strand). Cytogenetic location: 7p13.
Variant type: Microsatellite.
Coding change: c.863_864del on transcript NM_001220.5 (MANE Select); coding-DNA positions 863 to 864, 2 bases deleted (TG; older notation c.863_864delTG).
Protein change: p.Val288fs; shifts the reading frame from valine 288.
Molecular consequence: frameshift variant.
Genome position (GRCh38, 1-based): chr7:44,241,739-44,241,740, CA deleted on the plus strand (TG on the coding strand, the reverse complement: CAMK2B is on the minus strand); deleting any 2 consecutive bases within chr7:44,241,739-44,241,742 gives the same sequence; the c. name uses the placement nearest the transcript's 3' end. VCF-style (leftmost placement, unchanged base first): chr7-44241738-CCA-C. GRCh37 (hg19) VCF-style: chr7-44281337-CCA-C.
Other names: c.863_864del, p.Val288fs (NM_001293170.2, NM_172078.3, NM_172079.3 and 5 more transcripts); short protein forms V288fs.
Identifiers: ClinVar variation 1805867 (VCV001805867.4), dbSNP rs2486009300, ClinGen allele CA1139771218.
Genomic context (GRCh38, chr7:44,241,738, plus strand): 5'-GGACTAGGGGCCAGGGCCTCACCTTGAGCTTTCTCCTGGCATTGAACTTTTTCAGACACT[CCA>C]CAGTCTCCTGTCTGTGCATCATGGATGCTACCGTGGAGCGTTGCTGTGGGGAAATGGGTG-3'

ClinVar aggregate classification (germline): Conflicting classifications of pathogenicity. Review status: criteria provided, conflicting classifications (1 of 4 stars). 2 submissions from 2 submitters: Likely pathogenic (1); Uncertain significance (1). Last evaluated 2023-07-20.

Conditions:
Intellectual developmental disorder, autosomal dominant 54. Also called: MENTAL RETARDATION, AUTOSOMAL DOMINANT 54; Intellectual disability, autosomal dominant 54. Identifiers: MedGen C4540484, MONDO:0030920, OMIM 617799.

Submissions (2):

Labcorp Genetics (formerly Invitae), Labcorp
Classification: Uncertain significance. Last evaluated: 2023-07-20. Review status: criteria provided, single submitter. Criteria: Invitae Variant Classification Sherloc (09022015). Collection method: clinical testing. Allele origin: germline.
Comment: ClinVar contains an entry for this variant (Variation ID: 1805867). This variant has not been reported in the literature in individuals affected with CAMK2B-related conditions. This variant is not present in population databases (gnomAD no frequency). This sequence change creates a premature translational stop signal (p.Val288Glyfs*70) in the CAMK2B gene. It is expected to result in an absent or disrupted protein product. However, the current clinical and genetic evidence is not sufficient to establish whether loss-of-function variants in CAMK2B cause disease. In summary, the available evidence is currently insufficient to determine the role of this variant in disease. Therefore, it has been classified as a Variant of Uncertain Significance.

Victorian Clinical Genetics Services, Murdoch Childrens Research Institute
Classification: Likely pathogenic for Intellectual developmental disorder, autosomal dominant 54. Last evaluated: 2021-05-06. Review status: criteria provided, single submitter. Criteria: ACMG Guidelines, 2015. Collection method: clinical testing. Allele origin: germline. Inheritance: Autosomal dominant inheritance. Affected: yes.
Comment: Based on the classification scheme VCGS_Germline_v1.3.4, this variant is classified as Likely pathogenic. Following criteria are met: 0103 - Loss of function (LoF) and gain of function (GoF) are mechanisms of disease in this gene and are associated with CAMK2B-related intellectual disability 54 (MIM#617799). GoF is a common disease mechanism for majority of missense mutations while one missense and other nonsense mutations exerted LoF effect (PMID: 29100089). (I) 0107 - This gene is associated with autosomal dominant disease. (I) 0201 - Variant is predicted to cause nonsense-mediated decay (NMD) and loss of protein (premature termination codon is located at least 54 nucleotides upstream of the final exon-exon junction). (SP) 0251 - This variant is heterozygous. (I) 0301 - Variant is absent from gnomAD (both v2 and v3). (SP) 0703 - Two other NMD predicted variants comparable to the one identified in this case have moderate previous evidence for pathogenicity (ClinVar, Decipher). (SP) 0807 - This variant has no previous evidence of pathogenicity. (I) 0905 - No published segregation evidence has been identified for this variant. (I) 1007 - No published functional evidence has been identified for this variant. (I) 1208 - Inheritance information for this variant is not currently available in this individual. (I) Legend: (SP) - Supporting pathogenic, (I) - Information, (SB) - Supporting benign

Literature cited by the submitters: PubMed 29100089 (cited by Victorian Clinical Genetics Services, Murdoch Childrens Research Institute).